The following is an entry in ClinVar:

NM_001098816.3(TENM4):c.5809C>G (p.Leu1937Val)

Gene: TENM4 (teneurin transmembrane protein 4; minus strand). Cytogenetic location: 11q14.1.
Variant type: single nucleotide variant.
Coding change: c.5809C>G on transcript NM_001098816.3 (MANE Select); coding-DNA position 5809, C replaced by G.
Protein change: p.Leu1937Val; replaces leucine 1937 with valine.
Molecular consequence: missense variant.
Genome position (GRCh38, 1-based): chr11:78,670,536, G>C on the plus strand (C>G on the coding strand, the complement: TENM4 is on the minus strand). VCF-style: chr11-78670536-G-C. GRCh37 (hg19) VCF-style: chr11-78381581-G-C.
Other names: short protein forms L1937V.
Identifiers: ClinVar variation 721964 (VCV000721964.6), dbSNP rs192931562, ClinGen allele CA6206525.

ClinVar aggregate classification (germline): Benign. Review status: criteria provided, single submitter (1 of 4 stars). 2 submissions from 2 submitters: Benign (1). 1 of the submissions does not count toward it. Last evaluated 2019-12-31.

Conditions:
TENM4-related disorder. Also called: TENM4-related condition.

Allele frequency attached by ClinVar (database versions not stated): 1000 Genomes Project 0.00080; TOPMed 0.00063; gnomAD 0.00471 and 0.00437; 1000 Genomes Project 30x 0.00062; ESP Exome Variant Server 0.00065.
gnomAD v4.1: 3,960 of 1,607,638 alleles (0.25%); highest among the groups gnomAD compares: East Asian, 0.045%; 67 homozygotes.

Submissions (2):

Labcorp Genetics (formerly Invitae), Labcorp
Classification: Benign. Last evaluated: 2019-12-31. Review status: criteria provided, single submitter. Criteria: Invitae Variant Classification Sherloc (09022015). Collection method: clinical testing. Allele origin: germline.

PreventionGenetics, part of Exact Sciences
Classification: Likely benign for TENM4-related condition. Last evaluated: 2024-01-30. Review status: no assertion criteria provided. Collection method: clinical testing. Allele origin: germline. Not counted in ClinVar's aggregate classification.
Comment: This variant is classified as likely benign based on ACMG/AMP sequence variant interpretation guidelines (Richards et al. 2015 PMID: 25741868, with internal and published modifications).